The following is an entry in ClinVar:

ClinVar aggregate classification (germline): Uncertain significance (1 of 4 stars; one submission).

Conditions:
Glycogen storage disease, type II (IOPD). Also called: Pompe Disease; CARDIOMEGALIA GLYCOGENICA DIFFUSA; GLYCOGENOSIS, GENERALIZED, CARDIAC FORM; GSD II; POMPE DISEASE, INFANTILE-ONSET; GLYCOGEN STORAGE DISEASE II, INFANTILE-ONSET. Identifiers: Orphanet 365, MedGen C0017921, MONDO:0009290, OMIM 232300.

Submission:

Genomenon, Inc
Classification: Uncertain significance for Glycogen storage disease, type II. Last evaluated: 2026-07-01. Review status: criteria provided, single submitter. Criteria: Genomenon Sequence Variant Interpretation Standards - Updated. Collection method: curation. Allele origin: germline. Affected: no.
Comment: GAA p.Gly638Arg (c.1912G>A) is a missense variant that changes the amino acid at codon 638 from Glycine to Arginine. This variant has been reported in the published literature (PMID:17027861). The presence of pathogenic/likely pathogenic missense variant(s) at the same amino acid position indicates that this residue is likely important for protein function. It is absent or not present at a significant frequency in gnomAD. In silico models predict that this variant is possibly or probably damaging. In conclusion, we classify GAA p.Gly638Arg (c.1912G>A) as a variant of uncertain significance.

Literature cited by the submitters: PubMed 17027861.

NM_000152.5(GAA):c.1912G>A (p.Gly638Arg)

Gene: GAA (alpha glucosidase; plus strand). Cytogenetic location: 17q25.3.
Variant type: single nucleotide variant.
Coding change: c.1912G>A on transcript NM_000152.5 (MANE Select); coding-DNA position 1912, G replaced by A.
Protein change: p.Gly638Arg; replaces glycine 638 with arginine.
Molecular consequence: missense variant.
Genome position (GRCh38, 1-based): chr17:80,112,899, G>A. VCF-style: chr17-80112899-G-A. GRCh37 (hg19) VCF-style: chr17-78086698-G-A.
Other names: c.1912G>A, p.Gly638Arg (NM_001079803.3, NM_001079804.3, NM_001406741.1 and 1 more transcripts); short protein forms G638R.
Identifiers: ClinVar variation 4876524 (VCV004876524.1).